The following is an entry in ClinVar:

ClinVar aggregate classification (germline): Uncertain significance (1 of 4 stars; one submission).

Conditions:
Chopra-Amiel-Gordon syndrome (CAGS). Also called: ANKRD17-Related Neurodevelopmental Syndrome. Identifiers: MedGen C5561975, MONDO:0859186, OMIM 619504.

Submission:

Juno Genomics, Hangzhou Juno Genomics, Inc
Classification: Uncertain significance for Chopra-Amiel-Gordon syndrome. Review status: criteria provided, single submitter. Criteria: ACMG Guidelines, 2015. Collection method: clinical testing. Allele origin: germline.
Comment: Missense variant in a gene that has a low rate of benign missense variation.;Multiple lines of computational evidence support a deleterious effect on the gene or gene product.;Absent from controls (or at extremely low frequency if recessive) in Genome Aggregation Database.

NM_032217.5(ANKRD17):c.1687G>A (p.Gly563Arg)

Gene: ANKRD17 (ankyrin repeat domain 17; minus strand). Cytogenetic location: 4q13.3.
Variant type: single nucleotide variant.
Coding change: c.1687G>A on transcript NM_032217.5 (MANE Select); coding-DNA position 1687, G replaced by A.
Protein change: p.Gly563Arg; replaces glycine 563 with arginine.
Molecular consequence: missense variant.
Genome position (GRCh38, 1-based): chr4:73,147,313, C>T on the plus strand (G>A on the coding strand, the complement: ANKRD17 is on the minus strand). VCF-style: chr4-73147313-C-T. GRCh37 (hg19) VCF-style: chr4-74013030-C-T.
Other names: c.1348G>A, p.Gly450Arg (NM_001286771.3); c.1687G>A, p.Gly563Arg (NM_015574.2, NM_198889.3); short protein forms G450R, G563R.
Identifiers: ClinVar variation 5006791 (VCV005006791.2).
Genomic context (GRCh38, chr4:73,147,313, plus strand): 5'-AGTATTTAACTAACTCCAAATGACCCTCTTGAGCAGCTTCCATTAAAGGGGTAGAACACC[C>T]TAGTTCTATATCGGCTCCTGCCTTAATTAGAAAGTCTGCCACTTCCAGAAAGCCTCCACA-3'
Protein context (NP_115593.3, residues 553-573): LIKAGADIEL[Gly563Arg]CSTPLMEAAQ